The following is an entry in ClinVar:

ClinVar aggregate classification (germline): Uncertain significance (1 of 4 stars; one submission).

Allele frequency attached by ClinVar (database versions not stated): ESP Exome Variant Server 0.00023; gnomAD exomes 0.00002; ExAC 0.00011; gnomAD 0.00024; TOPMed 0.00031.
gnomAD v4.1: 67 of 1,576,684 alleles (0.0042%); highest among the groups gnomAD compares: African/African-American, 0.061%; no homozygotes.

Submission:

Labcorp Genetics (formerly Invitae), Labcorp
Classification: Uncertain significance. Last evaluated: 2024-06-12. Review status: criteria provided, single submitter. Criteria: Invitae Variant Classification Sherloc (09022015). Collection method: clinical testing. Allele origin: germline.
Comment: This sequence change replaces valine, which is neutral and non-polar, with methionine, which is neutral and non-polar, at codon 633 of the BPTF protein (p.Val633Met). This variant is present in population databases (rs139353057, gnomAD 0.07%), and has an allele count higher than expected for a pathogenic variant. This variant has not been reported in the literature in individuals affected with BPTF-related conditions. ClinVar contains an entry for this variant (Variation ID: 2076805). An algorithm developed to predict the effect of missense changes on protein structure and function (PolyPhen-2) suggests that this variant is likely to be tolerated. In summary, the available evidence is currently insufficient to determine the role of this variant in disease. Therefore, it has been classified as a Variant of Uncertain Significance.

NM_182641.4(BPTF):c.1864+568G>A

Gene: BPTF (bromodomain PHD finger transcription factor; plus strand). Cytogenetic location: 17q24.2.
Variant type: single nucleotide variant.
Coding change: c.1864+568G>A on transcript NM_182641.4 (MANE Select); 568 bases into the intron after coding-DNA position 1864, G replaced by A.
Molecular consequence: intron variant. On other transcripts: missense variant (1).
Genome position (GRCh38, 1-based): chr17:67,875,588, G>A. VCF-style: chr17-67875588-G-A. GRCh37 (hg19) VCF-style: chr17-65871704-G-A.
Other names: c.1897G>A, p.Val633Met (NM_004459.7); short protein forms V633M.
Identifiers: ClinVar variation 2076805 (VCV002076805.4), dbSNP rs139353057, ClinGen allele CA8725248.